The following is an entry in ClinVar:

NM_001122630.2(CDKN1C):c.2T>G (p.Met1Arg)

Gene: CDKN1C (cyclin dependent kinase inhibitor 1C; minus strand). Cytogenetic location: 11p15.4.
Variant type: single nucleotide variant.
Coding change: c.2T>G on transcript NM_001122630.2 (MANE Select); coding-DNA position 2, T replaced by G.
Protein change: p.Met1Arg; changes the start codon (methionine 1).
Molecular consequence: missense variant, initiator codon variant.
Genome position (GRCh38, 1-based): chr11:2,885,455, A>C on the plus strand (T>G on the coding strand, the complement: CDKN1C is on the minus strand). VCF-style: chr11-2885455-A-C. GRCh37 (hg19) VCF-style: chr11-2906685-A-C.
Other names: c.35T>G, p.Met12Arg (NM_000076.2, NM_001362474.2); c.2T>G, p.Met1Arg (NM_001122631.2, NM_001362475.2); short protein forms M12R, M1R.
Identifiers: ClinVar variation 1514319 (VCV001514319.8), dbSNP rs2133786665, ClinGen allele CA379147983.

ClinVar aggregate classification (germline): Uncertain significance (1 of 4 stars; one submission).

Conditions:
Beckwith-Wiedemann syndrome (BWS). Also called: EMG SYNDROME; Exomphalos macroglossia gigantism syndrome. Identifiers: Orphanet 116, MedGen C0004903, MONDO:0007534, OMIM 130650.

Submission:

Labcorp Genetics (formerly Invitae), Labcorp
Classification: Uncertain significance for Beckwith-Wiedemann syndrome. Last evaluated: 2020-11-15. Review status: criteria provided, single submitter. Criteria: Invitae Variant Classification Sherloc (09022015). Collection method: clinical testing. Allele origin: germline.
Comment: This sequence change replaces methionine with arginine at codon 12 of the CDKN1C protein (p.Met12Arg). The methionine residue is moderately conserved and there is a moderate physicochemical difference between methionine and arginine. This variant is not present in population databases (ExAC no frequency). This variant has not been reported in the literature in individuals with CDKN1C-related conditions. Algorithms developed to predict the effect of missense changes on protein structure and function are either unavailable or do not agree on the potential impact of this missense change (SIFT: "Deleterious"; PolyPhen-2: "Possibly Damaging"; Align-GVGD: "Class C0"). In summary, the available evidence is currently insufficient to determine the role of this variant in disease. Therefore, it has been classified as a Variant of Uncertain Significance.